The following is an entry in ClinVar:

ClinVar aggregate classification (germline): Uncertain significance (1 of 4 stars; one submission).

Conditions:
Early Myoclonic Encephalopathy. Identifiers: MedGen C0270855.

Allele frequency attached by ClinVar (database versions not stated): gnomAD exomes below 0.00001; TOPMed below 0.00001.
gnomAD v4.1: 6 of 1,608,858 alleles (0.00037%); highest among the groups gnomAD compares: Non-Finnish European, 0.00051%; no homozygotes.

Submission:

Labcorp Genetics (formerly Invitae), Labcorp
Classification: Uncertain significance for Early Myoclonic Encephalopathy. Last evaluated: 2022-11-22. Review status: criteria provided, single submitter. Criteria: Invitae Variant Classification Sherloc (09022015). Collection method: clinical testing. Allele origin: germline.
Comment: This sequence change falls in intron 13 of the JMJD1C gene. It does not directly change the encoded amino acid sequence of the JMJD1C protein. This variant is present in population databases (no rsID available, gnomAD 0.0009%). This variant has not been reported in the literature in individuals affected with JMJD1C-related conditions. ClinVar contains an entry for this variant (Variation ID: 1053975). Algorithms developed to predict the effect of sequence changes on RNA splicing suggest that this variant may create or strengthen a splice site. In summary, the available evidence is currently insufficient to determine the role of this variant in disease. Therefore, it has been classified as a Variant of Uncertain Significance.

NM_032776.3(JMJD1C):c.5644+9A>G

Gene: JMJD1C (jumonji domain containing 1C; minus strand). Cytogenetic location: 10q21.3.
Variant type: single nucleotide variant.
Coding change: c.5644+9A>G on transcript NM_032776.3 (MANE Select); 9 bases into the intron after coding-DNA position 5644, A replaced by G.
Molecular consequence: intron variant.
Genome position (GRCh38, 1-based): chr10:63,197,402, T>C on the plus strand (A>G on the coding strand, the complement: JMJD1C is on the minus strand). VCF-style: chr10-63197402-T-C. GRCh37 (hg19) VCF-style: chr10-64957162-T-C.
Other names: c.4987+9A>G (NM_001322258.2, NM_001322254.2); c.5098+9A>G (NM_001318154.2, NM_001282948.2); c.5530+9A>G (NM_001322252.2); c.4780+9A>G (NM_001318153.2).
Identifiers: ClinVar variation 1053975 (VCV001053975.9), dbSNP rs1275521352, ClinGen allele CA593904969.